The following is an entry in ClinVar:

ClinVar aggregate classification (germline): Likely benign. Review status: criteria provided, multiple submitters, no conflicts (2 of 4 stars). 2 submissions from 2 submitters: Likely benign (2). Last evaluated 2026-07-01.

Allele frequency attached by ClinVar (database versions not stated): gnomAD 0.00002; TOPMed 0.00002.
gnomAD v4.1: 20 of 1,559,512 alleles (0.0013%); highest among the groups gnomAD compares: East Asian, 0.0048%; no homozygotes.

Submissions (2):

CeGaT Center for Human Genetics Tuebingen
Classification: Likely benign. Last evaluated: 2026-07-01. Review status: criteria provided, single submitter. Criteria: CeGaT Center For Human Genetics Tuebingen Variant Classification Criteria Version 2. Collection method: clinical testing. Allele origin: germline. Affected: yes. Observed: 1 variant allele.
Comment: NAA15: BP4, BP7

Labcorp Genetics (formerly Invitae), Labcorp
Classification: Likely benign. Last evaluated: 2023-12-22. Review status: criteria provided, single submitter. Criteria: Invitae Variant Classification Sherloc (09022015). Collection method: clinical testing. Allele origin: germline.

NM_057175.5(NAA15):c.2079A>G (p.Gln693=)

Gene: NAA15 (N-alpha-acetyltransferase 15, NatA auxiliary subunit; plus strand). Cytogenetic location: 4q31.1.
Variant type: single nucleotide variant.
Coding change: c.2079A>G on transcript NM_057175.5 (MANE Select); coding-DNA position 2079, A replaced by G.
Protein change: p.Gln693=; no amino-acid change (glutamine 693 retained).
Molecular consequence: synonymous variant.
Genome position (GRCh38, 1-based): chr4:139,378,778, A>G. VCF-style: chr4-139378778-A-G. GRCh37 (hg19) VCF-style: chr4-140299932-A-G.
Other names: c.2079A>G, p.Gln693= (NM_001410842.1); c.*488A>G (NM_025085.2).
Identifiers: ClinVar variation 2052893 (VCV002052893.5), dbSNP rs999046772, ClinGen allele CA106682053.